The following is an entry in ClinVar:

ClinVar aggregate classification (germline): Likely pathogenic (1 of 4 stars; one submission).

Conditions:
Epilepsy, familial focal, with variable foci 1 (FFEVF1). Also called: DEPDC5-Related Epilepsy. Identifiers: MedGen C4551983, MONDO:0024556, OMIM 604364.

Submission:

Women's Health and Genetics/Laboratory Corporation of America, LabCorp
Classification: Likely pathogenic for Epilepsy, familial focal, with variable foci 1. Last evaluated: 2023-10-19. Review status: criteria provided, single submitter. Criteria: LabCorp Variant Classification Summary - May 2015. Collection method: clinical testing. Allele origin: germline.
Comment: Variant summary: The variant identified by MLPA or other technology involves the deletion of partial exon 23 and entire exon 24 in the DEPDC5 gene. A presumed nomenclature of c.1981_(2104+1_2105-1)del has been designated for the purposes of this classification. It is expected to result in a frameshift change in the DEPDC5 gene, a known mechanism of disease. A similar variant allele was found at a frequency of 4.6e-05 in 21694 control chromosomes (gnomAD, Structural Variants dataset). To our knowledge, no occurrence of c.1981_(2104+1_2105-1)del in individuals affected with Epilepsy, Familial Focal, With Variable Foci 1 and no experimental evidence demonstrating its impact on protein function have been reported. One submitter has cited clinical-significance assessments for this variant to ClinVar after 2014 and has classified the variant as likely pathogenic. Based on the evidence outlined above, the variant was classified as likely pathogenic.

NC_000022.10:g.32217598_(32218777_32229900)del

Gene: DEPDC5 (DEP domain containing 5, GATOR1 subcomplex subunit; plus strand).
Variant type: Deletion.
Identifiers: ClinVar variation 2637816 (VCV002637816.1).